The following is an entry in ClinVar:

NM_021098.3(CACNA1H):c.2057C>T (p.Pro686Leu)

Gene: CACNA1H (calcium voltage-gated channel subunit alpha1 H; plus strand). Cytogenetic location: 16p13.3.
Variant type: single nucleotide variant.
Coding change: c.2057C>T on transcript NM_021098.3 (MANE Select); coding-DNA position 2057, C replaced by T.
Protein change: p.Pro686Leu; replaces proline 686 with leucine.
Molecular consequence: missense variant.
Genome position (GRCh38, 1-based): chr16:1,204,064, C>T. VCF-style: chr16-1204064-C-T. GRCh37 (hg19) VCF-style: chr16-1254064-C-T.
Other names: c.2057C>T, p.Pro686Leu (NM_001005407.2); short protein forms P686L.
Identifiers: ClinVar variation 529682 (VCV000529682.38), dbSNP rs145376050, ClinGen allele CA7800095.

ClinVar aggregate classification (germline): Benign/Likely benign. Review status: criteria provided, multiple submitters, no conflicts (2 of 4 stars). 5 submissions from 5 submitters: Benign (2); Likely benign (2). 1 of the submissions does not count toward it. Last evaluated 2026-02-01.

Conditions:
CACNA1H-related disorder.
Hyperaldosteronism, familial, type IV (HALD4). Also called: FH IV; ALDOSTERONISM, PRIMARY, AND HYPERTENSION. Identifiers: Orphanet 642671, MedGen C4310756, MONDO:0014875, OMIM 617027.
Idiopathic generalized epilepsy. Also called: Generalised epilepsy; EIG. Identifiers: MedGen C0270850, MONDO:0005579, OMIM 600669.

Allele frequency attached by ClinVar (database versions not stated): ESP Exome Variant Server 0.00083; TOPMed 0.00098; gnomAD exomes 0.00100 and 0.00133; gnomAD 0.00109 and 0.00113; 1000 Genomes Project 0.00140; 1000 Genomes Project 30x 0.00156; ExAC 0.00260.
gnomAD v4.1: 2,105 of 1,599,342 alleles (0.13%); highest among the groups gnomAD compares: Non-Finnish European, 0.15%; 6 homozygotes.

Submissions (5):

Labcorp Genetics (formerly Invitae), Labcorp
Classification: Benign for Idiopathic generalized epilepsy; Hyperaldosteronism, familial, type IV. Last evaluated: 2026-02-01. Review status: criteria provided, single submitter. Criteria: Invitae Variant Classification Sherloc (09022015). Collection method: clinical testing. Allele origin: germline.

Blueprint Genetics
Classification: Likely benign. Last evaluated: 2024-11-19. Review status: criteria provided, single submitter. Criteria: ACMG Guidelines, 2015. Collection method: clinical testing. Allele origin: germline.

CeGaT Center for Human Genetics Tuebingen
Classification: Benign. Last evaluated: 2024-10-01. Review status: criteria provided, single submitter. Criteria: CeGaT Center For Human Genetics Tuebingen Variant Classification Criteria Version 2. Collection method: clinical testing. Allele origin: germline. Affected: yes. Observed: 4 variant alleles.
Comment: CACNA1H: BS1, BS2

Athena Diagnostics
Classification: Likely benign. Last evaluated: 2018-06-05. Review status: criteria provided, single submitter. Criteria: Athena Diagnostics Criteria. Collection method: clinical testing. Allele origin: germline.

PreventionGenetics, part of Exact Sciences
Classification: Likely benign for CACNA1H-related condition. Last evaluated: 2023-01-10. Review status: no assertion criteria provided. Collection method: clinical testing. Allele origin: germline. Not counted in ClinVar's aggregate classification.
Comment: This variant is classified as likely benign based on ACMG/AMP sequence variant interpretation guidelines (Richards et al. 2015 PMID: 25741868, with internal and published modifications).